The following is an entry in ClinVar:

NM_181523.3(PIK3R1):c.1844A>T (p.Asp615Val)

Gene: PIK3R1 (phosphoinositide-3-kinase regulatory subunit 1; plus strand). Cytogenetic location: 5q13.1.
Variant type: single nucleotide variant.
Coding change: c.1844A>T on transcript NM_181523.3 (MANE Select); coding-DNA position 1844, A replaced by T.
Protein change: p.Asp615Val; replaces aspartic acid 615 with valine.
Molecular consequence: missense variant.
Genome position (GRCh38, 1-based): chr5:68,296,200, A>T. VCF-style: chr5-68296200-A-T. GRCh37 (hg19) VCF-style: chr5-67592028-A-T.
Other names: c.755A>T, p.Asp252Val (NM_001242466.2); c.1034A>T, p.Asp345Val (NM_181504.4); c.944A>T, p.Asp315Val (NM_181524.2); short protein forms D345V, D252V, D315V, D615V.
Identifiers: ClinVar variation 849630 (VCV000849630.13), dbSNP rs1747703922, ClinGen allele CA359883821.
Genomic context (GRCh38, chr5:68,296,200, plus strand): 5'-CATTTAGAAACTTTCTGTCCTGCCTGCCTAGCCAATATTCACTGGTGGAAGATGATGAAG[A>T]TTTGCCCCATCATGATGAGAAGACATGGAATGTTGGAAGCAGCAACCGAAACAAAGCTGA-3'
Protein context (NP_852664.1, residues 605-625): DQYSLVEDDE[Asp615Val]LPHHDEKTWN

ClinVar aggregate classification (germline): Uncertain significance (1 of 4 stars; one submission).

Conditions:
Agammaglobulinemia 7, autosomal recessive (AGM7). Also called: AGAMMAGLOBULINEMIA, AUTOSOMAL RECESSIVE, DUE TO PIK3R1 DEFECT. Identifiers: MedGen C3554689, MONDO:0014083, OMIM 615214.
SHORT syndrome. Also called: LIPODYSTROPHY, PARTIAL, WITH RIEGER ANOMALY AND SHORT STATURE; SHORT STATURE, HYPEREXTENSIBILITY, HERNIA, OCULAR DEPRESSION, RIEGER ANOMALY, AND TEETHING DELAY; PIK3R1-Related SHORT Syndrome. Identifiers: Orphanet 3163, MedGen C0878684, MONDO:0010026, OMIM 269880.
Immunodeficiency 36 with lymphoproliferation. Also called: Activated PI3K Delta Syndrome Type 2 (APDS2); Immunodeficiency 36; ACTIVATED PI3K-DELTA SYNDROME 2. Identifiers: Orphanet 397596, Orphanet 693681, MedGen C4014934, MONDO:0014453, OMIM 616005.

Submission:

Labcorp Genetics (formerly Invitae), Labcorp
Classification: Uncertain significance for SHORT syndrome; Immunodeficiency 36 with lymphoproliferation; Agammaglobulinemia 7, autosomal recessive. Last evaluated: 2020-07-25. Review status: criteria provided, single submitter. Criteria: Invitae Variant Classification Sherloc (09022015). Collection method: clinical testing. Allele origin: germline.
Comment: In summary, the available evidence is currently insufficient to determine the role of this variant in disease. Therefore, it has been classified as a Variant of Uncertain Significance. Algorithms developed to predict the effect of missense changes on protein structure and function are either unavailable or do not agree on the potential impact of this missense change (SIFT: "Deleterious"; PolyPhen-2: "Probably Damaging"; Align-GVGD: "Class C0"). This variant has not been reported in the literature in individuals with PIK3R1-related conditions. This variant is not present in population databases (ExAC no frequency). This sequence change replaces aspartic acid with valine at codon 615 of the PIK3R1 protein (p.Asp615Val). The aspartic acid residue is moderately conserved and there is a large physicochemical difference between aspartic acid and valine.